The following is an entry in ClinVar:

ClinVar aggregate classification (germline): Likely pathogenic (1 of 4 stars; one submission).

Conditions:
Hypoparathyroidism, deafness, renal disease syndrome (HDRS). Also called: HYPOPARATHYROIDISM, SENSORINEURAL DEAFNESS, AND RENAL DYSPLASIA SYNDROME. Identifiers: Orphanet 2237, MedGen C1840333, MONDO:0007797, OMIM 146255.

Submission:

Institute of Rare Diseases, West China Hospital, Sichuan University
Classification: Likely pathogenic for Hypoparathyroidism, deafness, renal disease syndrome. Last evaluated: 2025-01-09. Review status: criteria provided, single submitter. Criteria: ClinGen HL ACMG Specifications v1. Collection method: research. Allele origin: germline. Affected: yes.
Comment: PVS1;PM2_Supporting

NM_001002295.2(GATA3):c.845_846dup (p.Tyr283fs)

Gene: GATA3 (GATA binding protein 3; plus strand). Cytogenetic location: 10p14.
Variant type: Microsatellite.
Coding change: c.845_846dup on transcript NM_001002295.2 (MANE Select); coding-DNA positions 845 to 846, 2 bases duplicated (AC; older notation c.845_846dupAC).
Protein change: p.Tyr283fs; shifts the reading frame from tyrosine 283.
Molecular consequence: frameshift variant.
Genome position (GRCh38, 1-based): chr10:8,064,059-8,064,060, AC duplicated; duplicating any 2 consecutive bases within chr10:8,064,057-8,064,060 gives the same sequence; the c. name uses the placement nearest the transcript's 3' end. VCF-style (leftmost placement, unchanged base first): chr10-8064056-G-GAC. GRCh37 (hg19) VCF-style: chr10-8106019-G-GAC.
Other names: c.842_843dup, p.Tyr282fs (NM_002051.3); short protein forms Y282fs, Y283fs.
Identifiers: ClinVar variation 3601135 (VCV003601135.1).
Genomic context (GRCh38, chr10:8,064,056, plus strand): 5'-GCAGGGAGTGTGTGAACTGTGGGGCAACCTCGACCCCACTGTGGCGGCGAGATGGCACGG[G>GAC]ACACTACCTGTGCAACGCCTGCGGGCTCTATCACAAAATGAACGGACAGAACCGGCCCCT-3'